The following is an entry in ClinVar:

NM_005422.4(TECTA):c.2941C>T (p.Pro981Ser)

Genes: TBCEL-TECTA (TBCEL-TECTA readthrough; plus strand), TECTA (tectorin alpha; plus strand), LOC126861365 (P300/CBP strongly-dependent group 1 enhancer GRCh37_chr11:121000154-121001353; plus strand). Cytogenetic location: 11q23.3.
Variant type: single nucleotide variant.
Coding change: c.2941C>T on transcript NM_005422.4 (MANE Select); coding-DNA position 2941, C replaced by T.
Protein change: p.Pro981Ser; replaces proline 981 with serine.
Molecular consequence: missense variant.
Genome position (GRCh38, 1-based): chr11:121,130,211, C>T. VCF-style: chr11-121130211-C-T. GRCh37 (hg19) VCF-style: chr11-121000920-C-T.
Other names: c.3898C>T, p.Pro1300Ser (NM_001378761.1); short protein forms P1300S, P981S.
Identifiers: ClinVar variation 3619125 (VCV003619125.2).

ClinVar aggregate classification (germline): Uncertain significance (1 of 4 stars; one submission).

gnomAD v4.1: 38 of 1,599,898 alleles (0.0024%); highest among the groups gnomAD compares: South Asian, 0.015%; no homozygotes.

Submission:

Labcorp Genetics (formerly Invitae), Labcorp
Classification: Uncertain significance. Last evaluated: 2024-04-25. Review status: criteria provided, single submitter. Criteria: Invitae Variant Classification Sherloc (09022015). Collection method: clinical testing. Allele origin: germline.
Comment: This sequence change replaces proline, which is neutral and non-polar, with serine, which is neutral and polar, at codon 981 of the TECTA protein (p.Pro981Ser). This variant is present in population databases (rs774676767, gnomAD 0.02%). This variant has not been reported in the literature in individuals affected with TECTA-related conditions. An algorithm developed to predict the effect of missense changes on protein structure and function (PolyPhen-2) suggests that this variant is likely to be disruptive. In summary, the available evidence is currently insufficient to determine the role of this variant in disease. Therefore, it has been classified as a Variant of Uncertain Significance.